The following is an entry in ClinVar:

NM_006623.4(PHGDH):c.1193A>G (p.Lys398Arg)

Gene: PHGDH (phosphoglycerate dehydrogenase; plus strand). Cytogenetic location: 1p12.
Variant type: single nucleotide variant.
Coding change: c.1193A>G on transcript NM_006623.4 (MANE Select); coding-DNA position 1193, A replaced by G.
Protein change: p.Lys398Arg; replaces lysine 398 with arginine.
Molecular consequence: missense variant.
Genome position (GRCh38, 1-based): chr1:119,741,881, A>G. VCF-style: chr1-119741881-A-G. GRCh37 (hg19) VCF-style: chr1-120284504-A-G.
Other names: c.1193A>G (NM_006623.3); short protein forms K398R.
Identifiers: ClinVar variation 1423744 (VCV001423744.9), dbSNP rs765542839, ClinGen allele CA1037384.

ClinVar aggregate classification (germline): Conflicting classifications of pathogenicity. Review status: criteria provided, conflicting classifications (1 of 4 stars). 2 submissions from 2 submitters: Likely pathogenic (1); Uncertain significance (1). Last evaluated 2024-11-19.

Conditions:
PHGDH deficiency. Identifiers: Orphanet 79351, MedGen C1866174, MONDO:0011152, OMIM 601815.

Allele frequency attached by ClinVar (database versions not stated): TOPMed below 0.00001; gnomAD exomes 0.00001 and 0.00003; ExAC 0.00002.
gnomAD v4.1: 40 of 1,614,046 alleles (0.0025%); highest among the groups gnomAD compares: Non-Finnish European, 0.0033%; no homozygotes.

Submissions (2):

GeneDx
Classification: Likely pathogenic. Last evaluated: 2024-11-19. Review status: criteria provided, single submitter. Criteria: GeneDx Variant Classification Process June 2021. Collection method: clinical testing. Allele origin: germline. Affected: yes.
Comment: Not observed at significant frequency in large population cohorts (gnomAD); In silico analysis supports a deleterious effect on splicing; In silico analysis indicates that this missense variant does not alter protein structure/function; This variant is associated with the following publications: (PMID: 36066546)

Labcorp Genetics (formerly Invitae), Labcorp
Classification: Uncertain significance for PHGDH deficiency. Last evaluated: 2023-10-16. Review status: criteria provided, single submitter. Criteria: Invitae Variant Classification Sherloc (09022015). Collection method: clinical testing. Allele origin: germline.
Comment: This sequence change replaces lysine, which is basic and polar, with arginine, which is basic and polar, at codon 398 of the PHGDH protein (p.Lys398Arg). This variant is present in population databases (rs765542839, gnomAD 0.002%). This variant has not been reported in the literature in individuals affected with PHGDH-related conditions. ClinVar contains an entry for this variant (Variation ID: 1423744). Advanced modeling of protein sequence and biophysical properties (such as structural, functional, and spatial information, amino acid conservation, physicochemical variation, residue mobility, and thermodynamic stability) performed at Invitae indicates that this missense variant is expected to disrupt PHGDH protein function. Algorithms developed to predict the effect of sequence changes on RNA splicing suggest that this variant may disrupt the consensus splice site. In summary, the available evidence is currently insufficient to determine the role of this variant in disease. Therefore, it has been classified as a Variant of Uncertain Significance.